The following is an entry in ClinVar:

NM_000088.4(COL1A1):c.2864C>T (p.Ala955Val)

Gene: COL1A1 (collagen type I alpha 1 chain; minus strand). Cytogenetic location: 17q21.33.
Variant type: single nucleotide variant.
Coding change: c.2864C>T on transcript NM_000088.4 (MANE Select); coding-DNA position 2864, C replaced by T.
Protein change: p.Ala955Val; replaces alanine 955 with valine.
Molecular consequence: missense variant.
Genome position (GRCh38, 1-based): chr17:50,189,241, G>A on the plus strand (C>T on the coding strand, the complement: COL1A1 is on the minus strand). VCF-style: chr17-50189241-G-A. GRCh37 (hg19) VCF-style: chr17-48266602-G-A.
Other names: short protein forms A955V.
Identifiers: ClinVar variation 3630737 (VCV003630737.3).

ClinVar aggregate classification (germline): Uncertain significance. Review status: criteria provided, multiple submitters, no conflicts (2 of 4 stars). 2 submissions from 2 submitters: Uncertain significance (2). Last evaluated 2025-01-20.

Conditions:
Osteogenesis imperfecta type I (OI1). Also called: Lobstein's Disease; Lobstein disease; Classic Non-deforming Osteogenesis Imperfecta with Blue Sclerae; OI, TYPE I; OSTEOGENESIS IMPERFECTA TARDA; OSTEOGENESIS IMPERFECTA WITH BLUE SCLERAE. Identifiers: Orphanet 216796, Orphanet 666, MedGen C0023931, MONDO:0008146, OMIM 166200. Disease mechanism: loss of function.
Cardiovascular phenotype. Identifiers: MedGen CN230736.

gnomAD v4.1: 1 of 1,613,992 alleles (0.000062%); highest among the groups gnomAD compares: African/African-American, 0.0013%; no homozygotes.

Submissions (2):

Labcorp Genetics (formerly Invitae), Labcorp
Classification: Uncertain significance for Osteogenesis imperfecta type I. Last evaluated: 2025-01-20. Review status: criteria provided, single submitter. Criteria: Invitae Variant Classification Sherloc (09022015). Collection method: clinical testing. Allele origin: germline.
Comment: This sequence change replaces alanine, which is neutral and non-polar, with valine, which is neutral and non-polar, at codon 955 of the COL1A1 protein (p.Ala955Val). This variant is not present in population databases (gnomAD no frequency). This variant has not been reported in the literature in individuals affected with COL1A1-related conditions. Invitae Evidence Modeling of protein sequence and biophysical properties (such as structural, functional, and spatial information, amino acid conservation, physicochemical variation, residue mobility, and thermodynamic stability) indicates that this missense variant is not expected to disrupt COL1A1 protein function with a negative predictive value of 95%. In summary, the available evidence is currently insufficient to determine the role of this variant in disease. Therefore, it has been classified as a Variant of Uncertain Significance.

Ambry Genetics
Classification: Uncertain significance for Cardiovascular phenotype. Last evaluated: 2024-12-12. Review status: criteria provided, single submitter. Criteria: Ambry Variant Classification Scheme 2023. Collection method: clinical testing. Allele origin: germline.
Comment: The p.A955V variant (also known as c.2864C>T), located in coding exon 40 of the COL1A1 gene, results from a C to T substitution at nucleotide position 2864. The alanine at codon 955 is replaced by valine, an amino acid with similar properties. This amino acid position is not well conserved in available vertebrate species. In addition, the in silico prediction for this alteration is inconclusive. Based on the available evidence, the clinical significance of this variant remains unclear.